The following is an entry in ClinVar:

ClinVar aggregate classification (germline): Uncertain significance. Review status: criteria provided, multiple submitters, no conflicts (2 of 4 stars). 2 submissions from 2 submitters: Uncertain significance (2). Last evaluated 2025-08-04.

Conditions:
MGP-related disorder. Also called: MGP-related condition.

Allele frequency attached by ClinVar (database versions not stated): gnomAD exomes below 0.00001; TOPMed below 0.00001; ExAC 0.00001; gnomAD 0.00002.
gnomAD v4.1: 5 of 1,614,098 alleles (0.00031%); highest among the groups gnomAD compares: East Asian, 0.0067%; no homozygotes.

Submissions (2):

PreventionGenetics, part of Exact Sciences
Classification: Uncertain significance for MGP-related condition. Last evaluated: 2025-08-04. Review status: criteria provided, single submitter. Criteria: ACMG Guidelines, 2015. Collection method: clinical testing. Allele origin: germline.
Comment: The MGP c.226T>C variant is predicted to result in the amino acid substitution p.Tyr76His. To our knowledge, this variant has not been reported in the literature. This variant is reported in 0.010% of alleles in individuals of East Asian descent in gnomAD. At this time, the clinical significance of this variant is uncertain due to the absence of conclusive functional and genetic evidence.

Labcorp Genetics (formerly Invitae), Labcorp
Classification: Uncertain significance. Last evaluated: 2024-12-19. Review status: criteria provided, single submitter. Criteria: Invitae Variant Classification Sherloc (09022015). Collection method: clinical testing. Allele origin: germline.
Comment: This sequence change replaces tyrosine, which is neutral and polar, with histidine, which is basic and polar, at codon 76 of the MGP protein (p.Tyr76His). This variant is present in population databases (rs777484287, gnomAD 0.01%). This variant has not been reported in the literature in individuals affected with MGP-related conditions. ClinVar contains an entry for this variant (Variation ID: 2628916). An algorithm developed to predict the effect of missense changes on protein structure and function outputs the following: PolyPhen-2: "Benign". The histidine amino acid residue is found in multiple mammalian species, which suggests that this missense change does not adversely affect protein function. In summary, the available evidence is currently insufficient to determine the role of this variant in disease. Therefore, it has been classified as a Variant of Uncertain Significance.

NM_000900.5(MGP):c.226T>C (p.Tyr76His)

Gene: MGP (matrix Gla protein; minus strand). Cytogenetic location: 12p12.3.
Variant type: single nucleotide variant.
Coding change: c.226T>C on transcript NM_000900.5 (MANE Select); coding-DNA position 226, T replaced by C.
Protein change: p.Tyr76His; replaces tyrosine 76 with histidine.
Molecular consequence: missense variant.
Genome position (GRCh38, 1-based): chr12:14,882,225, A>G on the plus strand (T>C on the coding strand, the complement: MGP is on the minus strand). VCF-style: chr12-14882225-A-G. GRCh37 (hg19) VCF-style: chr12-15035159-A-G.
Other names: c.301T>C, p.Tyr101His (NM_001190839.3); short protein forms Y101H, Y76H.
Identifiers: ClinVar variation 2628916 (VCV002628916.4), dbSNP rs777484287, ClinGen allele CA6465138.